The following is an entry in ClinVar:

ClinVar aggregate classification (germline): Uncertain significance. Review status: criteria provided, multiple submitters, no conflicts (2 of 4 stars). 3 submissions from 3 submitters: Uncertain significance (3). Last evaluated 2024-10-16.

Conditions:
Tuberous sclerosis 2 (TSC2). Identifiers: Orphanet 805, MedGen C1860707, MONDO:0013199, OMIM 613254.
Hereditary cancer-predisposing syndrome. Also called: Hereditary Cancer Syndrome; Neoplastic Syndromes, Hereditary; Hereditary neoplastic syndrome; Tumor predisposition. Identifiers: Orphanet 140162, MedGen C0027672, MeSH D009386, MONDO:0015356.

Submissions (3):

GeneDx
Classification: Uncertain significance. Last evaluated: 2024-10-16. Review status: criteria provided, single submitter. Criteria: GeneDx Variant Classification Process June 2021. Collection method: clinical testing. Allele origin: germline. Affected: yes.
Comment: Not observed at significant frequency in large population cohorts (gnomAD); In silico analysis supports that this missense variant has a deleterious effect on protein structure/function; Has not been previously published as pathogenic or benign to our knowledge; This variant is associated with the following publications: (PMID: 18466115)

Ambry Genetics
Classification: Uncertain significance for Hereditary cancer-predisposing syndrome. Last evaluated: 2024-01-21. Review status: criteria provided, single submitter. Criteria: Ambry Variant Classification Scheme 2023. Collection method: clinical testing. Allele origin: germline.
Comment: The p.A289P variant (also known as c.865G>C), located in coding exon 9 of the TSC2 gene, results from a G to C substitution at nucleotide position 865. The alanine at codon 289 is replaced by proline, an amino acid with highly similar properties. This amino acid position is conserved. In addition, this alteration is predicted to be deleterious by in silico analysis. Based on the available evidence, the clinical significance of this alteration remains unclear.

Labcorp Genetics (formerly Invitae), Labcorp
Classification: Uncertain significance for Tuberous sclerosis 2. Last evaluated: 2024-01-05. Review status: criteria provided, single submitter. Criteria: Invitae Variant Classification Sherloc (09022015). Collection method: clinical testing. Allele origin: germline.
Comment: This sequence change replaces alanine, which is neutral and non-polar, with proline, which is neutral and non-polar, at codon 289 of the TSC2 protein (p.Ala289Pro). This variant is not present in population databases (gnomAD no frequency). This variant has not been reported in the literature in individuals affected with TSC2-related conditions. ClinVar contains an entry for this variant (Variation ID: 2134313). Advanced modeling of protein sequence and biophysical properties (such as structural, functional, and spatial information, amino acid conservation, physicochemical variation, residue mobility, and thermodynamic stability) performed at Invitae indicates that this missense variant is not expected to disrupt TSC2 protein function with a negative predictive value of 95%. In summary, the available evidence is currently insufficient to determine the role of this variant in disease. Therefore, it has been classified as a Variant of Uncertain Significance.

NM_000548.5(TSC2):c.865G>C (p.Ala289Pro)

Gene: TSC2 (TSC complex subunit 2; plus strand). Cytogenetic location: 16p13.3.
Variant type: single nucleotide variant.
Coding change: c.865G>C on transcript NM_000548.5 (MANE Select); coding-DNA position 865, G replaced by C.
Protein change: p.Ala289Pro; replaces alanine 289 with proline.
Molecular consequence: missense variant.
Genome position (GRCh38, 1-based): chr16:2,058,763, G>C. VCF-style: chr16-2058763-G-C. GRCh37 (hg19) VCF-style: chr16-2108764-G-C.
Other names: c.865G>C, p.Ala289Pro (NM_001077183.3, NM_001114382.3, NM_001363528.2 and 6 more transcripts); c.754G>C, p.Ala252Pro (NM_001318827.2, NM_001406670.1, NM_001406678.1); c.718G>C, p.Ala240Pro (NM_001318829.2, NM_001406675.1, NM_001406676.1 and 1 more transcripts); c.265G>C, p.Ala89Pro (NM_001318831.2, NM_001406680.1, NM_001406682.1 and 6 more transcripts); c.898G>C, p.Ala300Pro (NM_001318832.2); c.955G>C, p.Ala319Pro (NM_001406667.1, NM_001406668.1); c.853G>C, p.Ala285Pro (NM_001406671.1, NM_001406673.1); c.808G>C, p.Ala270Pro (NM_001406677.1); and 4 more; short protein forms A270P, A252P, A285P, A289P, A319P, A89P, A135P, A300P.
Identifiers: ClinVar variation 2134313 (VCV002134313.6), dbSNP rs750060649, ClinGen allele CA394315017.